The following is an entry in ClinVar:

ClinVar aggregate classification (germline): Likely pathogenic (1 of 4 stars; one submission).

Submission:

Labcorp Genetics (formerly Invitae), Labcorp
Classification: Likely pathogenic. Last evaluated: 2024-10-22. Review status: criteria provided, single submitter. Criteria: Invitae Variant Classification Sherloc (09022015). Collection method: clinical testing. Allele origin: germline.
Comment: This sequence change affects a donor splice site in intron 29 of the CDK5RAP2 gene. It is expected to disrupt RNA splicing. Variants that disrupt the donor or acceptor splice site typically lead to a loss of protein function (PMID: 16199547), and loss-of-function variants in CDK5RAP2 are known to be pathogenic (PMID: 15793586, 20460369, 26436113). This variant is not present in population databases (gnomAD no frequency). This variant has not been reported in the literature in individuals affected with CDK5RAP2-related conditions. Algorithms developed to predict the effect of sequence changes on RNA splicing suggest that this variant may disrupt the consensus splice site. In summary, the currently available evidence indicates that the variant is pathogenic, but additional data are needed to prove that conclusively. Therefore, this variant has been classified as Likely Pathogenic.

Literature cited by the submitters: PubMed 16199547; PubMed 15793586; PubMed 20460369; PubMed 26436113.

NM_018249.6(CDK5RAP2):c.4414+1G>T

Gene: CDK5RAP2 (CDK5 regulatory subunit associated protein 2; minus strand). Cytogenetic location: 9q33.2.
Variant type: single nucleotide variant.
Coding change: c.4414+1G>T on transcript NM_018249.6 (MANE Select); the canonical splice donor site of the intron after coding-DNA position 4414, G replaced by T.
Molecular consequence: splice donor variant.
Genome position (GRCh38, 1-based): chr9:120,411,357, C>A on the plus strand (G>T on the coding strand, the complement: CDK5RAP2 is on the minus strand). VCF-style: chr9-120411357-C-A. GRCh37 (hg19) VCF-style: chr9-123173635-C-A.
Other names: c.3724+1G>T (NM_001272039.2); c.4315+1G>T (NM_001410992.1); c.4411+1G>T (NM_001410994.1); c.4318+1G>T (NM_001410993.1); c.4414+1G>T (NM_001011649.3).
Identifiers: ClinVar variation 3655301 (VCV003655301.2).